The following is an entry in ClinVar:

ClinVar aggregate classification (germline): Conflicting classifications of pathogenicity. Review status: criteria provided, conflicting classifications (1 of 4 stars). 7 submissions from 6 submitters: Uncertain significance (1); Likely benign (5). 1 of the submissions does not count toward it. Last evaluated 2026-09-10.

Conditions:
Enhanced S-cone syndrome (ESCS). Identifiers: Orphanet 53540, MedGen C1849394, MONDO:0100288, MONDO:0009989.
Goldmann-Favre syndrome. Identifiers: Orphanet 53540, MedGen C0339541, MONDO:0100289.
NR2E3-related disorder. Also called: NR2E3-related condition; NR2E3-related disorders. Identifiers: MedGen CN239387.
Retinal dystrophy. Also called: Inherited retinal dystrophy. Identifiers: Orphanet 71862, MedGen C0854723, MeSH D058499, MONDO:0019118, HP:0000556.
Retinitis pigmentosa (RP). Identifiers: Orphanet 791, MedGen C0035334, MeSH D012174, MONDO:0019200, OMIM 268000. Inheritance: Autosomal dominant, autosomal recessive and X linked inheritance.

Allele frequency attached by ClinVar (database versions not stated): gnomAD 0.00001 and 0.00005; TOPMed 0.00003; ExAC 0.00005; 1000 Genomes Project 30x 0.00031; 1000 Genomes Project 0.00040.
gnomAD v4.1: 109 of 1,556,926 alleles (0.007%); highest among the groups gnomAD compares: East Asian, 0.25%; no homozygotes.

Submissions (7):

PreventionGenetics, part of Exact Sciences
Classification: Likely benign for NR2E3-related condition. Last evaluated: 2026-09-10. Review status: criteria provided, single submitter. Criteria: ACMG Guidelines, 2015. Collection method: clinical testing. Allele origin: germline.
Comment: This variant is classified as likely benign based on ACMG/AMP sequence variant interpretation guidelines (Richards et al. 2015 PMID: 25741868, with internal and published modifications).

Labcorp Genetics (formerly Invitae), Labcorp
Classification: Likely benign. Last evaluated: 2024-05-01. Review status: criteria provided, single submitter. Criteria: Invitae Variant Classification Sherloc (09022015). Collection method: clinical testing. Allele origin: germline.

Blueprint Genetics
Classification: Likely benign. Last evaluated: 2024-04-29. Review status: criteria provided, single submitter. Criteria: ACMG Guidelines, 2015. Collection method: clinical testing. Allele origin: germline.

Dept Of Ophthalmology, Nagoya University
Classification: Likely benign for Retinal dystrophy. Last evaluated: 2023-10-01. Review status: criteria provided, single submitter. Criteria: Submitter's publication. Collection method: research. Allele origin: germline. Affected: yes.

Illumina Laboratory Services, Illumina
Classification: Uncertain significance for ENHANCED S-CONE SYNDROME 1. Last evaluated: 2018-01-13. Review status: criteria provided, single submitter. Criteria: ICSL Variant Classification Criteria 13 December 2019. Collection method: clinical testing. Allele origin: germline.

Illumina Laboratory Services, Illumina
Classification: Likely benign for Retinitis pigmentosa. Last evaluated: 2018-01-13. Review status: criteria provided, single submitter. Criteria: ICSL Variant Classification Criteria 13 December 2019. Collection method: clinical testing. Allele origin: germline.
Comment: This variant was observed in the ICSL laboratory as part of a predisposition screen in an ostensibly healthy population. It had not been previously curated by ICSL or reported in the Human Gene Mutation Database (HGMD: prior to June 1st, 2018), and was therefore a candidate for classification through an automated scoring system. Utilizing variant allele frequency, disease prevalence and penetrance estimates, and inheritance mode, an automated score was calculated to assess if this variant is too frequent to cause the disease. Based on the score and internal cut-off values, a variant classified as likely benign is not then subjected to further curation. The score for this variant resulted in a classification of likely benign for this disease.

Natera, Inc.
Classification: Likely benign for Goldmann-Favre syndrome. Last evaluated: 2020-04-14. Review status: no assertion criteria provided. Collection method: clinical testing. Allele origin: germline. Not counted in ClinVar's aggregate classification.

NM_014249.4(NR2E3):c.123G>A (p.Val41=)

Gene: NR2E3 (nuclear receptor subfamily 2 group E member 3; plus strand). Cytogenetic location: 15q23.
Variant type: single nucleotide variant.
Coding change: c.123G>A on transcript NM_014249.4 (MANE Select); coding-DNA position 123, G replaced by A.
Protein change: p.Val41=; no amino-acid change (valine 41 retained).
Molecular consequence: synonymous variant.
Genome position (GRCh38, 1-based): chr15:71,811,487, G>A. VCF-style: chr15-71811487-G-A. GRCh37 (hg19) VCF-style: chr15-72103827-G-A.
Other names: c.123G>A, p.Val41= (NM_016346.4).
Identifiers: ClinVar variation 846374 (VCV000846374.16), dbSNP rs555860015, ClinGen allele CA7640216.
Genomic context (GRCh38, chr15:71,811,487, plus strand): 5'-GCAGCCCTGCCCCGGCCCAGCCCTGCCCTGGCCCAGCCCTGCCCCCTGCCCCTCAGGCGT[G>A]AGCCCCTCGCTCCAGTGCCGCGTGTGCGGAGACAGCAGCAGCGGGAAGCACTATGGCATC-3'
Protein context (NP_055064.1, residues 31-51): RWGLGEDPTG[Val41=]SPSLQCRVCG